The following is an entry in ClinVar:

NM_000440.3(PDE6A):c.1472T>C (p.Leu491Pro)

Gene: PDE6A (phosphodiesterase 6A; minus strand). Cytogenetic location: 5q32.
Variant type: single nucleotide variant.
Coding change: c.1472T>C on transcript NM_000440.3 (MANE Select); coding-DNA position 1472, T replaced by C.
Protein change: p.Leu491Pro; replaces leucine 491 with proline.
Molecular consequence: missense variant.
Genome position (GRCh38, 1-based): chr5:149,896,712, A>G on the plus strand (T>C on the coding strand, the complement: PDE6A is on the minus strand). VCF-style: chr5-149896712-A-G. GRCh37 (hg19) VCF-style: chr5-149276275-A-G.
Other names: c.1229T>C, p.Leu410Pro (NM_001410788.1); short protein forms L410P, L491P.
Identifiers: ClinVar variation 1968998 (VCV001968998.5), dbSNP rs1257912454, ClinGen allele CA361695872.

ClinVar aggregate classification (germline): Uncertain significance (1 of 4 stars; one submission).

Submission:

Labcorp Genetics (formerly Invitae), Labcorp
Classification: Uncertain significance. Last evaluated: 2022-11-22. Review status: criteria provided, single submitter. Criteria: Invitae Variant Classification Sherloc (09022015). Collection method: clinical testing. Allele origin: germline.
Comment: In summary, the available evidence is currently insufficient to determine the role of this variant in disease. Therefore, it has been classified as a Variant of Uncertain Significance. Algorithms developed to predict the effect of missense changes on protein structure and function are either unavailable or do not agree on the potential impact of this missense change (SIFT: "Deleterious"; PolyPhen-2: "Possibly Damaging"; Align-GVGD: "Class C0"). This variant has not been reported in the literature in individuals affected with PDE6A-related conditions. This variant is not present in population databases (gnomAD no frequency). This sequence change replaces leucine, which is neutral and non-polar, with proline, which is neutral and non-polar, at codon 491 of the PDE6A protein (p.Leu491Pro).